The following is an entry in ClinVar:

ClinVar aggregate classification (germline): Uncertain significance (1 of 4 stars; one submission).

Submission:

Labcorp Genetics (formerly Invitae), Labcorp
Classification: Uncertain significance. Last evaluated: 2021-12-30. Review status: criteria provided, single submitter. Criteria: Invitae Variant Classification Sherloc (09022015). Collection method: clinical testing. Allele origin: germline.
Comment: This sequence change replaces valine, which is neutral and non-polar, with isoleucine, which is neutral and non-polar, at codon 3747 of the ADGRV1 protein (p.Val3747Ile). This variant is not present in population databases (gnomAD no frequency). This variant has not been reported in the literature in individuals affected with ADGRV1-related conditions. Algorithms developed to predict the effect of missense changes on protein structure and function output the following: SIFT: "Tolerated"; PolyPhen-2: "Possibly Damaging"; Align-GVGD: "Class C0". The isoleucine amino acid residue is found in multiple mammalian species, which suggests that this missense change does not adversely affect protein function. In summary, the available evidence is currently insufficient to determine the role of this variant in disease. Therefore, it has been classified as a Variant of Uncertain Significance.

NM_032119.4(ADGRV1):c.11239G>A (p.Val3747Ile)

Gene: ADGRV1 (adhesion G protein-coupled receptor V1; plus strand). Cytogenetic location: 5q14.3.
Variant type: single nucleotide variant.
Coding change: c.11239G>A on transcript NM_032119.4 (MANE Select); coding-DNA position 11239, G replaced by A.
Protein change: p.Val3747Ile; replaces valine 3747 with isoleucine.
Molecular consequence: missense variant. On other transcripts: non-coding transcript variant (1).
Genome position (GRCh38, 1-based): chr5:90,753,691, G>A. VCF-style: chr5-90753691-G-A. GRCh37 (hg19) VCF-style: chr5-90049508-G-A.
Other names: short protein forms V3747I.
Identifiers: ClinVar variation 1994308 (VCV001994308.4), dbSNP rs2531618282, ClinGen allele CA360364978.
Genomic context (GRCh38, chr5:90,753,691, plus strand): 5'-AATATACCAGAGTTATCAGAGGTTGTGATTGTAACCCTCACCCGTATCACCACAGAAGGG[G>A]TTGAGGACTCATACAAAGGTGCTACTATTGATCAGGACAGAAGCAAGTCTGTTATAACAA-3'
Protein context (NP_115495.3, residues 3737-3757): VTLTRITTEG[Val3747Ile]EDSYKGATID